The following is an entry in ClinVar:

NM_003640.5(ELP1):c.3473C>T (p.Pro1158Leu)

Gene: ELP1 (elongator acetyltransferase complex subunit 1; minus strand). Cytogenetic location: 9q31.3.
Variant type: single nucleotide variant.
Coding change: c.3473C>T on transcript NM_003640.5 (MANE Select); coding-DNA position 3473, C replaced by T.
Protein change: p.Pro1158Leu; replaces proline 1158 with leucine.
Molecular consequence: missense variant.
Genome position (GRCh38, 1-based): chr9:108,879,545, G>A on the plus strand (C>T on the coding strand, the complement: ELP1 is on the minus strand). VCF-style: chr9-108879545-G-A. GRCh37 (hg19) VCF-style: chr9-111641825-G-A.
Other names: c.3131C>T, p.Pro1044Leu (NM_001318360.2); c.2426C>T, p.Pro809Leu (NM_001330749.2); c.3473C>T (LRG_251t1); short protein forms P1158L, P1044L, P809L.
Identifiers: ClinVar variation 259113 (VCV000259113.28), dbSNP rs1538660, ClinGen allele CA5174286.
Genomic context (GRCh38, chr9:108,879,545, plus strand): 5'-ATCTCACTGCCACTCACGACACTGCTAGTTTCAGAGAAGAGGTCTGACTCTTGCCCGTGG[G>A]GTACCTCATCATCTAGAAAAGAAGAACCAGAAGCCGATGAAAACACTGCCTGCTAATGTG-3'
Protein context (NP_003631.2, residues 1148-1168): AQQAGLDDEV[Pro1158Leu]HGQESDLFSE

ClinVar aggregate classification (germline): Benign. Review status: criteria provided, multiple submitters, no conflicts (2 of 4 stars). 9 submissions from 9 submitters: Benign (8). 1 of the submissions does not count toward it. Last evaluated 2026-02-04.

Conditions:
Familial dysautonomia. Also called: FD; HSAN III. Identifiers: Orphanet 1764, MedGen C0013364, MONDO:0009131, OMIM 223900. Disease mechanism: loss of function.

Allele frequency attached by ClinVar (database versions not stated): gnomAD exomes 0.17645 and 0.19424; ExAC 0.19878; ESP Exome Variant Server 0.21190; gnomAD 0.21736 and 0.21853; TOPMed 0.22003; 1000 Genomes Project 30x 0.24329; 1000 Genomes Project 0.24501.
gnomAD v4.1: 291,371 of 1,611,346 alleles (18%); highest among the groups gnomAD compares: African/African-American, 32%; 28,307 homozygotes.

Submissions (9):

Labcorp Genetics (formerly Invitae), Labcorp
Classification: Benign. Last evaluated: 2026-02-04. Review status: criteria provided, single submitter. Criteria: Invitae Variant Classification Sherloc (09022015). Collection method: clinical testing. Allele origin: germline.

Blueprint Genetics
Classification: Benign. Last evaluated: 2024-11-27. Review status: criteria provided, single submitter. Criteria: ACMG Guidelines, 2015. Collection method: clinical testing. Allele origin: germline.

Mayo Clinic Laboratories, Mayo Clinic
Classification: Benign. Last evaluated: 2022-03-03. Review status: criteria provided, single submitter. Criteria: ACMG Guidelines, 2015. Collection method: clinical testing. Allele origin: germline. Observed: 580 variant alleles.

Genome-Nilou Lab
Classification: Benign for Familial dysautonomia. Last evaluated: 2021-07-01. Review status: criteria provided, single submitter. Criteria: ACMG Guidelines, 2015. Collection method: clinical testing. Allele origin: germline. Affected: no.

Illumina Laboratory Services, Illumina
Classification: Benign for Familial dysautonomia. Last evaluated: 2018-01-12. Review status: criteria provided, single submitter. Criteria: ICSL Variant Classification Criteria 13 December 2019. Collection method: clinical testing. Allele origin: germline.
Comment: This variant was observed in the ICSL laboratory as part of a predisposition screen in an ostensibly healthy population. It had not been previously curated by ICSL or reported in the Human Gene Mutation Database (HGMD: prior to June 1st, 2018), and was therefore a candidate for classification through an automated scoring system. Utilizing variant allele frequency, disease prevalence and penetrance estimates, and inheritance mode, an automated score was calculated to assess if this variant is too frequent to cause the disease. Based on the score and internal cut-off values, a variant classified as benign is not then subjected to further curation. The score for this variant resulted in a classification of benign for this disease.

GeneDx
Classification: Benign. Last evaluated: 2015-03-03. Review status: criteria provided, single submitter. Criteria: GeneDx Variant Classification Process June 2021. Collection method: clinical testing. Allele origin: germline. Affected: yes.

Breakthrough Genomics
Classification: Benign. Review status: criteria provided, single submitter. Criteria: ACMG Guidelines, 2015. Collection method: not provided. Allele origin: germline. Inheritance: Autosomal recessive inheritance. Affected: yes.

PreventionGenetics, part of Exact Sciences
Classification: Benign. Review status: criteria provided, single submitter. Criteria: ACMG Guidelines, 2015. Collection method: clinical testing. Allele origin: germline.

Natera, Inc.
Classification: Benign for Familial dysautonomia. Last evaluated: 2017-05-10. Review status: no assertion criteria provided. Collection method: clinical testing. Allele origin: germline. Not counted in ClinVar's aggregate classification.